The following is an entry in ClinVar:

NM_012464.5(TLL1):c.45G>T (p.Val15=)

Gene: TLL1 (tolloid like 1; plus strand). Cytogenetic location: 4q32.3.
Variant type: single nucleotide variant.
Coding change: c.45G>T on transcript NM_012464.5 (MANE Select); coding-DNA position 45, G replaced by T.
Protein change: p.Val15=; no amino-acid change (valine 15 retained).
Molecular consequence: synonymous variant.
Genome position (GRCh38, 1-based): chr4:165,873,949, G>T. VCF-style: chr4-165873949-G-T. GRCh37 (hg19) VCF-style: chr4-166795101-G-T.
Other names: c.45G>T, p.Val15= (NM_001204760.2).
Identifiers: ClinVar variation 2655172 (VCV002655172.25), dbSNP rs138449910, ClinGen allele CA3130480.
Genomic context (GRCh38, chr4:165,873,949, plus strand): 5'-CCTCCGGGGGAGGAGGATGGGGTTGGGAACGCTTTCCCCGAGGATGCTCGTGTGGCTGGT[G>T]GCCTCGGGGATTGTTTTCTACGGGGAGCTATGGGTCTGCGCTGGCCTCGATTATGATTAC-3'
Protein context (NP_036596.3, residues 5-25): TLSPRMLVWL[Val15=]ASGIVFYGEL

ClinVar aggregate classification (germline): Benign/Likely benign. Review status: criteria provided, multiple submitters, no conflicts (2 of 4 stars). 2 submissions from 2 submitters: Benign (1); Likely benign (1). Last evaluated 2024-09-30.

Allele frequency attached by ClinVar (database versions not stated): gnomAD exomes 0.00037; ESP Exome Variant Server 0.00054.
gnomAD v4.1: 686 of 1,614,126 alleles (0.042%); highest among the groups gnomAD compares: Middle Eastern, 0.78%; 3 homozygotes.

Submissions (2):

Blueprint Genetics
Classification: Likely benign. Last evaluated: 2024-09-30. Review status: criteria provided, single submitter. Criteria: ACMG Guidelines, 2015. Collection method: clinical testing. Allele origin: germline.

CeGaT Center for Human Genetics Tuebingen
Classification: Benign. Last evaluated: 2022-05-01. Review status: criteria provided, single submitter. Criteria: CeGaT Center For Human Genetics Tuebingen Variant Classification Criteria Version 2. Collection method: clinical testing. Allele origin: germline. Affected: yes. Observed: 1 variant allele.
Comment: TLL1: BS1, BS2